The following is an entry in ClinVar:

NM_014324.6(AMACR):c.*1928T>C

Genes: AMACR (alpha-methylacyl-CoA racemase; minus strand), C1QTNF3-AMACR (C1QTNF3-AMACR readthrough (NMD candidate); minus strand). Cytogenetic location: 5p13.2.
Variant type: single nucleotide variant.
Coding change: c.*1928T>C on transcript NM_014324.6 (MANE Select); 1928 bases downstream of the stop codon, T replaced by C.
Molecular consequence: 3 prime UTR variant. On other transcripts: non-coding transcript variant (1).
Genome position (GRCh38, 1-based): chr5:33,987,165, A>G on the plus strand (T>C on the coding strand, the complement: AMACR is on the minus strand). VCF-style: chr5-33987165-A-G. GRCh37 (hg19) VCF-style: chr5-33987270-A-G.
Other names: c.*1143T>C (NM_001167595.2); c.*2319T>C (NM_203382.3).
Identifiers: ClinVar variation 904698 (VCV000904698.4), dbSNP rs531992128, ClinGen allele CA116906448.

ClinVar aggregate classification (germline): Likely benign (1 of 4 stars; one submission).

Conditions:
Alpha-methylacyl-CoA racemase deficiency (AMACRD). Also called: AMACR deficiency. Identifiers: Orphanet 79095, MedGen C3280428, MONDO:0013681, OMIM 614307. Disease mechanism: loss of function.

Allele frequency attached by ClinVar (database versions not stated): 1000 Genomes Project 0.00060; gnomAD 0.00073 and 0.00079; 1000 Genomes Project 30x 0.00078; TOPMed 0.00078.

Submission:

Illumina Laboratory Services, Illumina
Classification: Likely benign for Alpha-methylacyl-CoA racemase deficiency. Last evaluated: 2018-01-13. Review status: criteria provided, single submitter. Criteria: ICSL Variant Classification Criteria 13 December 2019. Collection method: clinical testing. Allele origin: germline.
Comment: This variant was observed in the ICSL laboratory as part of a predisposition screen in an ostensibly healthy population. It had not been previously curated by ICSL or reported in the Human Gene Mutation Database (HGMD: prior to June 1st, 2018), and was therefore a candidate for classification through an automated scoring system. Utilizing variant allele frequency, disease prevalence and penetrance estimates, and inheritance mode, an automated score was calculated to assess if this variant is too frequent to cause the disease. Based on the score and internal cut-off values, a variant classified as likely benign is not then subjected to further curation. The score for this variant resulted in a classification of likely benign for this disease.